The following is an entry in ClinVar:

ClinVar aggregate classification (germline): Conflicting classifications of pathogenicity. Review status: criteria provided, conflicting classifications (1 of 4 stars). 2 submissions from 2 submitters: Uncertain significance (1); Likely benign (1). Last evaluated 2024-08-13.

Conditions:
Primary ciliary dyskinesia. Also called: Ciliary dyskinesia. Identifiers: Orphanet 244, MedGen C0008780, MONDO:0016575, HP:0012265.

Allele frequency attached by ClinVar (database versions not stated): TOPMed 0.00002; gnomAD 0.00003; ExAC 0.00005; ESP Exome Variant Server 0.00008.
gnomAD v4.1: 38 of 1,613,868 alleles (0.0024%); highest among the groups gnomAD compares: South Asian, 0.0077%; no homozygotes.

Submissions (2):

Labcorp Genetics (formerly Invitae), Labcorp
Classification: Likely benign for Primary ciliary dyskinesia. Last evaluated: 2024-08-13. Review status: criteria provided, single submitter. Criteria: Invitae Variant Classification Sherloc (09022015). Collection method: clinical testing. Allele origin: germline.

GeneDx
Classification: Uncertain significance. Last evaluated: 2024-01-21. Review status: criteria provided, single submitter. Criteria: GeneDx Variant Classification Process June 2021. Collection method: clinical testing. Allele origin: germline. Affected: yes.
Comment: In silico analysis supports that this missense variant has a deleterious effect on protein structure/function; Has not been previously published as pathogenic or benign to our knowledge

NM_001369.3(DNAH5):c.12037C>T (p.Arg4013Cys)

Gene: DNAH5 (dynein axonemal heavy chain 5; minus strand). Cytogenetic location: 5p15.2.
Variant type: single nucleotide variant.
Coding change: c.12037C>T on transcript NM_001369.3 (MANE Select); coding-DNA position 12037, C replaced by T.
Protein change: p.Arg4013Cys; replaces arginine 4013 with cysteine.
Molecular consequence: missense variant.
Genome position (GRCh38, 1-based): chr5:13,721,242, G>A on the plus strand (C>T on the coding strand, the complement: DNAH5 is on the minus strand). VCF-style: chr5-13721242-G-A. GRCh37 (hg19) VCF-style: chr5-13721351-G-A.
Other names: c.12037C>T (NM_001369.2); short protein forms R4013C.
Identifiers: ClinVar variation 2140315 (VCV002140315.5), dbSNP rs148349630, ClinGen allele CA3201748.